The following is an entry in ClinVar:

ClinVar aggregate classification (germline): Uncertain significance (1 of 4 stars; one submission).

Allele frequency attached by ClinVar (database versions not stated): gnomAD 0.00001; ExAC 0.00002; TOPMed 0.00002.
gnomAD v4.1: 10 of 1,614,044 alleles (0.00062%); highest among the groups gnomAD compares: South Asian, 0.0033%; no homozygotes.

Submission:

Labcorp Genetics (formerly Invitae), Labcorp
Classification: Uncertain significance. Last evaluated: 2022-11-03. Review status: criteria provided, single submitter. Criteria: Invitae Variant Classification Sherloc (09022015). Collection method: clinical testing. Allele origin: germline.
Comment: This variant has not been reported in the literature in individuals affected with TEAD1-related conditions. This variant is present in population databases (rs749486560, gnomAD 0.01%). This sequence change replaces arginine, which is basic and polar, with histidine, which is basic and polar, at codon 209 of the TEAD1 protein (p.Arg209His). Advanced modeling of protein sequence and biophysical properties (such as structural, functional, and spatial information, amino acid conservation, physicochemical variation, residue mobility, and thermodynamic stability) performed at Invitae indicates that this missense variant is not expected to disrupt TEAD1 protein function. In summary, the available evidence is currently insufficient to determine the role of this variant in disease. Therefore, it has been classified as a Variant of Uncertain Significance.

NM_021961.6(TEAD1):c.626G>A (p.Arg209His)

Gene: TEAD1 (TEA domain transcription factor 1; plus strand). Cytogenetic location: 11p15.3.
Variant type: single nucleotide variant.
Coding change: c.626G>A on transcript NM_021961.6 (MANE Select); coding-DNA position 626, G replaced by A.
Protein change: p.Arg209His; replaces arginine 209 with histidine.
Molecular consequence: missense variant.
Genome position (GRCh38, 1-based): chr11:12,883,052, G>A. VCF-style: chr11-12883052-G-A. GRCh37 (hg19) VCF-style: chr11-12904599-G-A.
Other names: short protein forms R209H.
Identifiers: ClinVar variation 2154192 (VCV002154192.4), dbSNP rs749486560, ClinGen allele CA5891694.